The following is an entry in ClinVar:

ClinVar aggregate classification (germline): Pathogenic/Likely pathogenic. Review status: criteria provided, multiple submitters, no conflicts (2 of 4 stars). 4 submissions from 4 submitters: Pathogenic (2); Likely pathogenic (1). 1 of the submissions does not count toward it. Last evaluated 2025-12-09.

Conditions:
Hereditary breast ovarian cancer syndrome. Also called: Hereditary breast and ovarian cancer syndrome; Hereditary breast and ovarian cancer; Hereditary breast and ovarian cancer syndrome (HBOC); Breast and ovarian cancer; Hereditary breast and/or ovarian cancer syndrome; BRCA1- and BRCA2-Associated Hereditary Breast and Ovarian Cancer. Identifiers: Orphanet 145, MedGen C0677776, MeSH D061325, MONDO:0003582. Disease mechanism: loss of function.
Breast-ovarian cancer, familial, susceptibility to, 2 (BROVCA2). Also called: BRCA2 Hereditary Breast and Ovarian Cancer. Identifiers: Orphanet 145, MedGen C2675520, MONDO:0012933, OMIM 612555. Disease mechanism: loss of function.
Hereditary cancer-predisposing syndrome. Also called: Neoplastic Syndromes, Hereditary; Tumor predisposition; Hereditary Cancer Syndrome; Hereditary neoplastic syndrome. Identifiers: Orphanet 140162, MedGen C0027672, MeSH D009386, MONDO:0015356.

Submissions (4):

Labcorp Genetics (formerly Invitae), Labcorp
Classification: Pathogenic for Hereditary breast ovarian cancer syndrome. Last evaluated: 2025-12-09. Review status: criteria provided, single submitter. Criteria: Invitae Variant Classification Sherloc (09022015). Collection method: clinical testing. Allele origin: germline.
Comment: This sequence change affects the initiator codon of the BRCA2 mRNA. This change may impact translation initiation or efficiency. The next in-frame methionine is located at codon 124. This variant is not present in population databases (gnomAD no frequency). Disruption of the initiator codon has been observed in individual(s) with breast cancer (PMID: 24607278). It has also been observed to segregate with disease in related individuals. ClinVar contains an entry for this variant (Variation ID: 51384). This variant disrupts a region of the BRCA2 protein in which other variant(s) (p.Trp31Cys) have been determined to be pathogenic (PMID: 22678057; internal data). This suggests that this is a clinically significant region of the protein, and that variants that disrupt it are likely to be disease-causing. For these reasons, this variant has been classified as Pathogenic.

Women's Health and Genetics/Laboratory Corporation of America, LabCorp
Classification: Likely pathogenic for Hereditary breast ovarian cancer syndrome. Last evaluated: 2025-03-21. Review status: criteria provided, single submitter. Criteria: LabCorp Variant Classification Summary - May 2015. Collection method: clinical testing. Allele origin: germline.
Comment: Variant summary: BRCA2 c.2T>C (p.Met1Thr) alters the initiation codon and is predicted to result either in absence of the protein or truncation of the encoded protein due to translation initiation at a downstream codon. Four of four in-silico tools predict a damaging effect of the variant on protein function. An alternative downstream in-frame start codon (Met124) is located in the encoded protein. An activation of potential downstream translation initiation site would result in a shortened protein missing the first 123 amino acids from the protein sequence. At least one other variant affecting the initiation codon (c.2T>G) has been classified as pathogenic by our laboratory and others in ClinVar. The variant was absent in 251542 control chromosomes. c.2T>C has been reported in the literature in at least two individuals affected with Hereditary Breast And Ovarian Cancer Syndrome (e.g. Cybulski_2014, Elze_2024). These data indicate that the variant is likely associated with disease. To our knowledge, no experimental evidence demonstrating an impact on protein function has been reported. The following publications have been ascertained in the context of this evaluation (PMID: 25330149, 38960732, 14647210, 15131399). ClinVar contains an entry for this variant (Variation ID: 51384). Based on the evidence outlined above, the variant was classified as likely pathogenic.

Ambry Genetics
Classification: Pathogenic for Hereditary cancer-predisposing syndrome. Last evaluated: 2024-05-24. Review status: criteria provided, single submitter. Criteria: Ambry Variant Classification Scheme 2023. Collection method: clinical testing. Allele origin: germline.
Comment: The p.M1? pathogenic mutation (also known as c.2T>C) is located in coding exon 1 of the BRCA2 gene and results from a T to C substitution at nucleotide position 2. This alters the methionine residue at the initiation codon (ATG). In addition, this mutation and other mutations that affect the initiation codon have been observed in multiple other breast and/or ovarian cancer families to date (Lubinski J et al. Fam. Cancer. 2004;3(1):1-10; Thomassen M et al. Breast Cancer Res. Treat. 2012 Apr;132(3):1009-23; Santos C et al. J. Mol. Diagn. 2014 May;16(3):324-34; Cybulski C et al. Clin. Genet. 2015 Oct;88(4):366-70). This variant is considered to be rare based on population cohorts in the Genome Aggregation Database (gnomAD). Of note, this alteration is also designated as 230T>C in published literature. In addition to the clinical data presented in the literature, sequence variations that modify the initiation codon are expected to result in either loss of translation initiation, N-terminal truncation, or cause a shift in the mRNA reading frame. Based on the supporting evidence, this alteration is interpreted as a disease-causing mutation.

Counsyl
Classification: Pathogenic for Breast-ovarian cancer, familial, susceptibility to, 2. Last evaluated: 2018-01-25. Review status: no assertion criteria provided. Collection method: clinical testing. Allele origin: unknown. Not counted in ClinVar's aggregate classification.

Literature cited by the submitters: PubMed 24607278 (cited by Labcorp Genetics (formerly Invitae), Labcorp); PubMed 22678057 (cited by Labcorp Genetics (formerly Invitae), Labcorp); PubMed 14647210 (cited by Women's Health and Genetics/Laboratory Corporation of America, LabCorp and Counsyl); PubMed 15131399 (cited by Women's Health and Genetics/Laboratory Corporation of America, LabCorp); PubMed 25330149 (cited by 3 submitters); PubMed 38960732 (cited by Women's Health and Genetics/Laboratory Corporation of America, LabCorp).

NM_000059.4(BRCA2):c.2T>C (p.Met1Thr)

Gene: BRCA2 (BRCA2 DNA repair associated; plus strand). Cytogenetic location: 13q13.1.
Variant type: single nucleotide variant.
Coding change: c.2T>C on transcript NM_000059.4 (MANE Select); coding-DNA position 2, T replaced by C.
Protein change: p.Met1Thr; changes the start codon (methionine 1).
Molecular consequence: missense variant, initiator codon variant.
Genome position (GRCh38, 1-based): chr13:32,316,462, T>C. VCF-style: chr13-32316462-T-C. GRCh37 (hg19) VCF-style: chr13-32890599-T-C.
Other names: short protein forms M1T.
Identifiers: ClinVar variation 51384 (VCV000051384.21), dbSNP rs80358547, ClinGen allele CA017005.